The following is an entry in ClinVar:

NM_001077525.3(MTMR14):c.1039T>C (p.Ser347Pro)

Gene: MTMR14 (myotubularin related protein 14; plus strand). Cytogenetic location: 3p25.3.
Variant type: single nucleotide variant.
Coding change: c.1039T>C on transcript NM_001077525.3 (MANE Select); coding-DNA position 1039, T replaced by C.
Protein change: p.Ser347Pro; replaces serine 347 with proline.
Molecular consequence: missense variant. On other transcripts: non-coding transcript variant (9).
Genome position (GRCh38, 1-based): chr3:9,684,659, T>C. VCF-style: chr3-9684659-T-C. GRCh37 (hg19) VCF-style: chr3-9726343-T-C.
Other names: c.1039T>C, p.Ser347Pro (NM_001077526.3, NM_022485.5); c.1108T>C, p.Ser370Pro (NM_001400518.1, NM_001400521.1); c.1036T>C, p.Ser346Pro (NM_001400519.1, NM_001400522.1); c.964T>C, p.Ser322Pro (NM_001400520.1, NM_001400523.1, NM_001400528.1); c.793T>C, p.Ser265Pro (NM_001400524.1, NM_001400527.1, NM_001400530.1); c.757T>C, p.Ser253Pro (NM_001400525.1, NM_001400529.1, NM_001400532.1); c.1033T>C, p.Ser345Pro (NM_001400526.1); c.790T>C, p.Ser264Pro (NM_001400531.1); and 5 more; short protein forms S322P, S345P, S60P, S133P, S264P, S228P, S240P, S253P.
Identifiers: ClinVar variation 1923073 (VCV001923073.5), dbSNP rs2470919125, ClinGen allele CA351691656.

ClinVar aggregate classification (germline): Uncertain significance (1 of 4 stars; one submission).

Submission:

Labcorp Genetics (formerly Invitae), Labcorp
Classification: Uncertain significance. Last evaluated: 2023-01-17. Review status: criteria provided, single submitter. Criteria: Invitae Variant Classification Sherloc (09022015). Collection method: clinical testing. Allele origin: germline.
Comment: This variant is not present in population databases (gnomAD no frequency). In summary, the available evidence is currently insufficient to determine the role of this variant in disease. Therefore, it has been classified as a Variant of Uncertain Significance. Advanced modeling of protein sequence and biophysical properties (such as structural, functional, and spatial information, amino acid conservation, physicochemical variation, residue mobility, and thermodynamic stability) performed at Invitae indicates that this missense variant is not expected to disrupt MTMR14 protein function. This variant has not been reported in the literature in individuals affected with MTMR14-related conditions. This sequence change replaces serine, which is neutral and polar, with proline, which is neutral and non-polar, at codon 347 of the MTMR14 protein (p.Ser347Pro).